The following is an entry in ClinVar:

NM_177531.6(PKHD1L1):c.2155C>T (p.Pro719Ser)

Gene: PKHD1L1 (PKHD1 like 1; plus strand). Cytogenetic location: 8q23.1.
Variant type: single nucleotide variant.
Coding change: c.2155C>T on transcript NM_177531.6 (MANE Select); coding-DNA position 2155, C replaced by T.
Protein change: p.Pro719Ser; replaces proline 719 with serine.
Molecular consequence: missense variant.
Genome position (GRCh38, 1-based): chr8:109,412,334, C>T. VCF-style: chr8-109412334-C-T. GRCh37 (hg19) VCF-style: chr8-110424563-C-T.
Other names: short protein forms P719S.
Identifiers: ClinVar variation 3213800 (VCV003213800.2), dbSNP rs145408242, ClinGen allele CA4844333.

ClinVar aggregate classification (germline): Conflicting classifications of pathogenicity. Review status: criteria provided, conflicting classifications (1 of 4 stars). 2 submissions from 2 submitters: Uncertain significance (1); Likely benign (1). Last evaluated 2025-09-12.

Conditions:
PKHD1L1-related disorder. Also called: PKHD1L1-related condition.

Allele frequency attached by ClinVar (database versions not stated): ESP Exome Variant Server 0.00126; 1000 Genomes Project 30x 0.00047; 1000 Genomes Project 0.00060.
gnomAD v4.1: 3,457 of 1,613,658 alleles (0.21%); highest among the groups gnomAD compares: Non-Finnish European, 0.27%; 5 homozygotes.

Submissions (2):

PreventionGenetics, part of Exact Sciences
Classification: Likely benign for PKHD1L1-related condition. Last evaluated: 2025-09-12. Review status: criteria provided, single submitter. Criteria: ACMG Guidelines, 2015. Collection method: clinical testing. Allele origin: germline.
Comment: This variant is classified as likely benign based on ACMG/AMP sequence variant interpretation guidelines (Richards et al. 2015 PMID: 25741868, with internal and published modifications).

Ambry Genetics
Classification: Uncertain significance. Last evaluated: 2021-11-15. Review status: criteria provided, single submitter. Criteria: Ambry Variant Classification Scheme 2023. Collection method: clinical testing. Allele origin: germline.